The following is an entry in ClinVar:

ClinVar aggregate classification (germline): Pathogenic (1 of 4 stars; one submission).

Conditions:
Exostoses, multiple, type 2 (EXT2). Also called: EXOSTOSES, MULTIPLE, TYPE II; Hereditary Multiple Osteochondromatosis, Type II. Identifiers: Orphanet 321, MedGen C1851413, MONDO:0007586, OMIM 133701.

gnomAD v4.1: 1 of 1,614,078 alleles (0.000062%); highest among the groups gnomAD compares: Non-Finnish European, 0.000085%; no homozygotes.

Submission:

Juno Genomics, Hangzhou Juno Genomics, Inc
Classification: Pathogenic for Exostoses, multiple, type 2. Review status: criteria provided, single submitter. Criteria: ACMG Guidelines, 2015. Collection method: clinical testing. Allele origin: germline.
Comment: Absent from controls (or at extremely low frequency if recessive) in Genome Aggregation Database.;Null variant in a gene where loss of function (LOF) is a known mechanism of disease.;Patient's phenotype or family history is highly specific for a disease with a single genetic etiology.

NM_207122.2(EXT2):c.1758G>A (p.Trp586Ter)

Gene: EXT2 (exostosin glycosyltransferase 2; plus strand). Cytogenetic location: 11p11.2.
Variant type: single nucleotide variant.
Coding change: c.1758G>A on transcript NM_207122.2 (MANE Select); coding-DNA position 1758, G replaced by A.
Protein change: p.Trp586Ter; replaces tryptophan 586 with a stop codon.
Molecular consequence: nonsense.
Genome position (GRCh38, 1-based): chr11:44,232,448, G>A. VCF-style: chr11-44232448-G-A. GRCh37 (hg19) VCF-style: chr11-44253998-G-A.
Other names: c.1857G>A, p.Trp619Ter (NM_000401.3); c.1788G>A, p.Trp596Ter (NM_001178083.3); c.1758G>A, p.Trp586Ter (NM_001389628.1, NM_001389630.1); short protein forms W586*, W596*, W619*.
Identifiers: ClinVar variation 3382826 (VCV003382826.4).